The following is an entry in ClinVar:

NM_001943.5(DSG2):c.1630T>A (p.Trp544Arg)

Gene: DSG2 (desmoglein 2; plus strand). Cytogenetic location: 18q12.1.
Variant type: single nucleotide variant.
Coding change: c.1630T>A on transcript NM_001943.5 (MANE Select); coding-DNA position 1630, T replaced by A.
Protein change: p.Trp544Arg; replaces tryptophan 544 with arginine.
Molecular consequence: missense variant.
Genome position (GRCh38, 1-based): chr18:31,536,408, T>A. VCF-style: chr18-31536408-T-A. GRCh37 (hg19) VCF-style: chr18-29116371-T-A.
Other names: short protein forms W544R.
Identifiers: ClinVar variation 4795496 (VCV004795496.1).

ClinVar aggregate classification (germline): Uncertain significance (1 of 4 stars; one submission).

Submission:

GeneDx
Classification: Uncertain significance. Last evaluated: 2025-08-07. Review status: criteria provided, single submitter. Criteria: GeneDx Variant Classification Process June 2021. Collection method: clinical testing. Allele origin: germline. Affected: yes.
Comment: Not observed at significant frequency in large population cohorts (gnomAD); In silico analysis supports that this missense variant has a deleterious effect on protein structure/function; Has not been previously published as pathogenic or benign to our knowledge